The following is an entry in ClinVar:

NM_001379150.1(IRS4):c.1907C>T (p.Pro636Leu)

Gene: IRS4 (insulin receptor substrate 4; minus strand). Cytogenetic location: Xq22.3.
Variant type: single nucleotide variant.
Coding change: c.1907C>T on transcript NM_001379150.1 (MANE Select); coding-DNA position 1907, C replaced by T.
Protein change: p.Pro636Leu; replaces proline 636 with leucine.
Molecular consequence: missense variant.
Genome position (GRCh38, 1-based): chrX:108,734,438, G>A on the plus strand (C>T on the coding strand, the complement: IRS4 is on the minus strand). VCF-style: chrX-108734438-G-A. GRCh37 (hg19) VCF-style: chrX-107977668-G-A.
Other names: c.1907C>T, p.Pro636Leu (NM_003604.2); short protein forms P636L.
Identifiers: ClinVar variation 1049023 (VCV001049023.5), dbSNP rs147837017, ClinGen allele CA10489713.

ClinVar aggregate classification (germline): Uncertain significance. Review status: criteria provided, single submitter (1 of 4 stars). 2 submissions from 2 submitters: Uncertain significance (1). 1 of the submissions does not count toward it. Last evaluated 2025-08-04.

Allele frequency attached by ClinVar (database versions not stated): ExAC 0.00002; gnomAD 0.00005; gnomAD exomes 0.00006 and 0.00007; TOPMed 0.00013; ESP Exome Variant Server 0.00019.
gnomAD v4.1: 85 of 1,209,773 alleles (0.007%); highest among the groups gnomAD compares: Non-Finnish European, 0.0086%; no homozygotes.

Submissions (2):

Ambry Genetics
Classification: Uncertain significance. Last evaluated: 2025-08-04. Review status: criteria provided, single submitter. Criteria: Ambry Variant Classification Scheme 2023. Collection method: clinical testing. Allele origin: germline.

Department of Pathology and Laboratory Medicine, Sinai Health System
Classification: Uncertain significance. Review status: no assertion criteria provided. Collection method: clinical testing. Allele origin: unknown. Affected: yes. Study: The Canadian Open Genetics Repository (COGR). Not counted in ClinVar's aggregate classification.
Comment: The IRS4 p.P636L variant was not identified in the literature nor was it identified in ClinVar. The variant was identified in dbSNP (ID: rs147837017) and in control databases in 12 of 205331 chromosomes (5 hemizygous) at a frequency of 0.00005844 (Genome Aggregation Database March 6, 2019, v2.1.1). The p.P636 residue is conserved in mammals and computational analyses (MUT Assesor, PolyPhen-2, SIFT, MutationTaster, Revel, FATHMM, MetaLR, DANN) provide inconsistent predictions regarding the impact to the protein; this information is not very predictive of pathogenicity. The variant occurs outside of the splicing consensus sequence and in silico or computational prediction software programs (Splice AI exome) do not predict a difference in splicing. In summary, based on the above information the clinical significance of this variant cannot be determined with certainty at this time. This variant is classified as a variant of uncertain significance.